The following is an entry in ClinVar:

NM_006303.4(AIMP2):c.93C>A (p.His31Gln)

Gene: AIMP2 (aminoacyl tRNA synthetase complex interacting multifunctional protein 2; plus strand). Cytogenetic location: 7p22.1.
Variant type: single nucleotide variant.
Coding change: c.93C>A on transcript NM_006303.4 (MANE Select); coding-DNA position 93, C replaced by A.
Protein change: p.His31Gln; replaces histidine 31 with glutamine.
Molecular consequence: missense variant. On other transcripts: 5 prime UTR variant (1), intron variant (3).
Genome position (GRCh38, 1-based): chr7:6,009,456, C>A. VCF-style: chr7-6009456-C-A. GRCh37 (hg19) VCF-style: chr7-6049087-C-A.
Other names: c.93C>A, p.His31Gln (NM_001326607.2); c.-228C>A (NM_001326609.2); c.-238+78C>A (NM_001326611.3); c.-251+78C>A (NM_001326610.2); c.15+78C>A (NM_001326606.2); short protein forms H31Q.
Identifiers: ClinVar variation 1408441 (VCV001408441.5), dbSNP rs200865484, ClinGen allele CA4150197.

ClinVar aggregate classification (germline): Uncertain significance (1 of 4 stars; one submission).

Allele frequency attached by ClinVar (database versions not stated): TOPMed 0.00002; gnomAD 0.00004.
gnomAD v4.1: 40 of 1,609,674 alleles (0.0025%); highest among the groups gnomAD compares: Middle Eastern, 0.022%; no homozygotes.

Submission:

Labcorp Genetics (formerly Invitae), Labcorp
Classification: Uncertain significance. Last evaluated: 2022-07-06. Review status: criteria provided, single submitter. Criteria: Invitae Variant Classification Sherloc (09022015). Collection method: clinical testing. Allele origin: germline.
Comment: This sequence change replaces histidine, which is basic and polar, with glutamine, which is neutral and polar, at codon 31 of the AIMP2 protein (p.His31Gln). This variant is present in population databases (rs200865484, gnomAD 0.006%). This variant has not been reported in the literature in individuals affected with AIMP2-related conditions. ClinVar contains an entry for this variant (Variation ID: 1408441). Algorithms developed to predict the effect of missense changes on protein structure and function are either unavailable or do not agree on the potential impact of this missense change (SIFT: "Tolerated"; PolyPhen-2: "Possibly Damaging"; Align-GVGD: "Class C0"). Algorithms developed to predict the effect of sequence changes on RNA splicing suggest that this variant may create or strengthen a splice site. In summary, the available evidence is currently insufficient to determine the role of this variant in disease. Therefore, it has been classified as a Variant of Uncertain Significance.